The following is an entry in ClinVar:

ClinVar aggregate classification (germline): Uncertain significance. Review status: criteria provided, multiple submitters, no conflicts (2 of 4 stars). 3 submissions from 3 submitters: Uncertain significance (3). Last evaluated 2024-02-12.

Conditions:
Inborn genetic diseases. Identifiers: MedGen C0950123, MeSH D030342.
Early-infantile DEE. Also called: Ohtahara syndrome; Early infantile epileptic encephalopathy with suppression bursts; Early infantile epileptic encephalopathy. Identifiers: Orphanet 1934, MedGen C0393706, MONDO:0800491.

gnomAD v4.1: 1 of 1,605,506 alleles (0.000062%); no homozygotes.

Submissions (3):

Ambry Genetics
Classification: Uncertain significance for Inborn genetic diseases. Last evaluated: 2024-02-12. Review status: criteria provided, single submitter. Criteria: Ambry Variant Classification Scheme 2023. Collection method: clinical testing. Allele origin: germline.

Labcorp Genetics (formerly Invitae), Labcorp
Classification: Uncertain significance for Early-infantile DEE. Last evaluated: 2020-07-10. Review status: criteria provided, single submitter. Criteria: Invitae Variant Classification Sherloc (09022015). Collection method: clinical testing. Allele origin: germline.
Comment: This sequence change replaces serine with arginine at codon 693 of the KCNQ2 protein (p.Ser693Arg). The serine residue is weakly conserved and there is a moderate physicochemical difference between serine and arginine. This variant is not present in population databases (ExAC no frequency). This variant has not been reported in the literature in individuals with KCNQ2-related conditions. Algorithms developed to predict the effect of missense changes on protein structure and function (SIFT, PolyPhen-2, Align-GVGD) all suggest that this variant is likely to be tolerated, but these predictions have not been confirmed by published functional studies and their clinical significance is uncertain. In summary, the available evidence is currently insufficient to determine the role of this variant in disease. Therefore, it has been classified as a Variant of Uncertain Significance.

GeneDx
Classification: Uncertain significance. Last evaluated: 2020-02-10. Review status: criteria provided, single submitter. Criteria: GeneDx Variant Classification Process June 2021. Collection method: clinical testing. Allele origin: germline. Affected: yes.
Comment: Not observed in large population cohorts (Lek et al., 2016); Missense variants in this gene are often considered pathogenic (Stenson et al., 2014); In silico analysis supports that this missense variant does not alter protein structure/function; This substitution is predicted to be within the C-terminal cytoplasmic domain; Has not been previously published as pathogenic or benign to our knowledge

NM_172107.4(KCNQ2):c.2079C>G (p.Ser693Arg)

Gene: KCNQ2 (potassium voltage-gated channel subfamily Q member 2; minus strand). Cytogenetic location: 20q13.33.
Variant type: single nucleotide variant.
Coding change: c.2079C>G on transcript NM_172107.4 (MANE Select); coding-DNA position 2079, C replaced by G.
Protein change: p.Ser693Arg; replaces serine 693 with arginine.
Molecular consequence: missense variant.
Genome position (GRCh38, 1-based): chr20:63,407,184, G>C on the plus strand (C>G on the coding strand, the complement: KCNQ2 is on the minus strand). VCF-style: chr20-63407184-G-C. GRCh37 (hg19) VCF-style: chr20-62038537-G-C.
Other names: c.2133C>G, p.Ser711Arg (NM_001382235.1); c.1995C>G, p.Ser665Arg (NM_004518.6); c.2025C>G, p.Ser675Arg (NM_172106.3); c.1986C>G, p.Ser662Arg (NM_172108.5); short protein forms S662R, S665R, S675R, S693R, S711R.
Identifiers: ClinVar variation 1007306 (VCV001007306.12), dbSNP rs2079971597, ClinGen allele CA409639038.
Genomic context (GRCh38, chr20:63,407,184, plus strand): 5'-CGGACACTGGACAGGGGGCGCGGCCGGGGGCGCCGAGAAGTTCTTCTGGCCCGTGGAGCT[G>C]CTGGAGCGCACGATCTTGACAATGCAGCCGTGCCTGTCGACATGCTCCCGGCTGTCTTCC-3'
Protein context (NP_742105.1, residues 683-703): HGCIVKIVRS[Ser693Arg]SSTGQKNFSA